The following is an entry in ClinVar:

ClinVar aggregate classification (germline): Likely pathogenic (1 of 4 stars; one submission).

Conditions:
Usher syndrome type 2C. Also called: USHER SYNDROME, TYPE IIC; Usher syndrome, type 2B. Identifiers: Orphanet 231178, Orphanet 886, MedGen C2931213, MONDO:0011558, OMIM 605472.

Submission:

Dasa
Classification: Likely pathogenic for Usher syndrome type 2C. Last evaluated: 2025-01-27. Review status: criteria provided, single submitter. Criteria: DASA Assertion Criteria. Collection method: clinical testing. Allele origin: germline.
Comment: NM_032119.4(ADGRV1):c.11242G>T (p.Glu3748*) is a nonsense variant in ADGRV1 predicted to introduce a premature termination codon and is predicted to result in an absent or altered protein product. Loss of function is an established disease mechanism for ADGRV1-associated disorders. Also, this variant is absent from population databases. Based on the currently available evidence, this variant is classified as likely pathogenic.

NM_032119.4(ADGRV1):c.11242G>T (p.Glu3748Ter)

Gene: ADGRV1 (adhesion G protein-coupled receptor V1; plus strand). Cytogenetic location: 5q14.3.
Variant type: single nucleotide variant.
Coding change: c.11242G>T on transcript NM_032119.4 (MANE Select); coding-DNA position 11242, G replaced by T.
Protein change: p.Glu3748Ter; replaces glutamic acid 3748 with a stop codon.
Molecular consequence: nonsense. On other transcripts: non-coding transcript variant (1).
Genome position (GRCh38, 1-based): chr5:90,753,694, G>T. VCF-style: chr5-90753694-G-T. GRCh37 (hg19) VCF-style: chr5-90049511-G-T.
Other names: short protein forms E3748*.
Identifiers: ClinVar variation 4880750 (VCV004880750.2).
Genomic context (GRCh38, chr5:90,753,694, plus strand): 5'-ATACCAGAGTTATCAGAGGTTGTGATTGTAACCCTCACCCGTATCACCACAGAAGGGGTT[G>T]AGGACTCATACAAAGGTGCTACTATTGATCAGGACAGAAGCAAGTCTGTTATAACAACTT-3'